The following is an entry in ClinVar:

ClinVar aggregate classification (germline): Conflicting classifications of pathogenicity. Review status: criteria provided, conflicting classifications (1 of 4 stars). 2 submissions from 2 submitters: Uncertain significance (1); Likely benign (1). Last evaluated 2025-08-30.

Conditions:
Cardiovascular phenotype. Identifiers: MedGen CN230736.
Dilated cardiomyopathy 1G (CMD1G). Identifiers: Orphanet 154, MedGen C1858763, MONDO:0011400, OMIM 604145.
Autosomal recessive limb-girdle muscular dystrophy type 2J (LGMDR10). Also called: Limb-girdle muscular dystrophy, type 2J; MUSCULAR DYSTROPHY, LIMB-GIRDLE, AUTOSOMAL RECESSIVE 10. Identifiers: Orphanet 140922, MedGen C1837342, MONDO:0012127, OMIM 608807.

gnomAD v4.1: 4 of 1,613,454 alleles (0.00025%); highest among the groups gnomAD compares: African/African-American, 0.0053%; no homozygotes.

Submissions (2):

Labcorp Genetics (formerly Invitae), Labcorp
Classification: Likely benign for Dilated cardiomyopathy 1G; Autosomal recessive limb-girdle muscular dystrophy type 2J. Last evaluated: 2025-08-30. Review status: criteria provided, single submitter. Criteria: Invitae Variant Classification Sherloc (09022015). Collection method: clinical testing. Allele origin: germline.

Ambry Genetics
Classification: Uncertain significance for Cardiovascular phenotype. Last evaluated: 2022-03-14. Review status: criteria provided, single submitter. Criteria: Ambry Variant Classification Scheme 2023. Collection method: clinical testing. Allele origin: germline.
Comment: The c.69034C>A variant (also known as p.R23012R), located in coding exon 173 of the TTN gene, results from a C to A substitution at nucleotide position 69034. This nucleotide substitution does not change the arginine at codon 23012. This nucleotide position is highly conserved in available vertebrate species. In silico splice site analysis for this alteration is inconclusive. Since supporting evidence is limited at this time, the clinical significance of this alteration remains unclear.

NM_001267550.2(TTN):c.96229C>A (p.Arg32077=)

Genes: TTN (titin; minus strand), TTN-AS1 (TTN antisense RNA 1; plus strand), LOC126806421 (CDK7 strongly-dependent group 2 enhancer GRCh37_chr2:179407630-179408829; plus strand). Cytogenetic location: 2q31.2.
Variant type: single nucleotide variant.
Coding change: c.96229C>A on transcript NM_001267550.2 (MANE Select); coding-DNA position 96229, C replaced by A.
Protein change: p.Arg32077=; no amino-acid change (arginine 32077 retained).
Molecular consequence: synonymous variant.
Genome position (GRCh38, 1-based): chr2:178,543,915, G>T on the plus strand (C>A on the coding strand, the complement: TTN is on the minus strand). VCF-style: chr2-178543915-G-T. GRCh37 (hg19) VCF-style: chr2-179408642-G-T.
Other names: c.91306C>A, p.Arg30436= (NM_001256850.1); c.69034C>A, p.Arg23012= (NM_003319.4); c.88525C>A, p.Arg29509= (NM_133378.4); c.69409C>A, p.Arg23137= (NM_133432.3); c.69610C>A, p.Arg23204= (NM_133437.4).
Identifiers: ClinVar variation 1664204 (VCV001664204.10), dbSNP rs751316145, ClinGen allele CA430241644.